The following is an entry in ClinVar:

ClinVar aggregate classification (germline): Uncertain significance. Review status: criteria provided, multiple submitters, no conflicts (2 of 4 stars). 5 submissions from 5 submitters: Uncertain significance (3). 2 of the submissions do not count toward it. Last evaluated 2024-08-10.

Conditions:
Zellweger spectrum disorders (ZS). Also called: Zellweger Spectrum Disorder; Zellweger Spectrum; Zellweger Spectrum Disorder (ZSD); Zellweger syndrome. Identifiers: Orphanet 912, MedGen C0043459, MONDO:0019609.
PEX6-related disorder. Also called: PEX6-related condition; PEX6-related disorders.
Peroxisome biogenesis disorder. Identifiers: Orphanet 79189, MedGen C1832200, MONDO:0019234. Disease mechanism: loss of function.

Allele frequency attached by ClinVar (database versions not stated): gnomAD exomes 0.00001 and 0.00002; ExAC 0.00002; gnomAD 0.00006 and 0.00007; ESP Exome Variant Server 0.00008; TOPMed 0.00010.
gnomAD v4.1: 17 of 1,614,036 alleles (0.0011%); highest among the groups gnomAD compares: African/African-American, 0.021%; no homozygotes.

Submissions (5):

GeneDx
Classification: Uncertain significance. Last evaluated: 2024-08-10. Review status: criteria provided, single submitter. Criteria: GeneDx Variant Classification Process June 2021. Collection method: clinical testing. Allele origin: germline. Affected: yes.
Comment: In silico analysis supports that this missense variant has a deleterious effect on protein structure/function; Has not been previously published as pathogenic or benign to our knowledge

Labcorp Genetics (formerly Invitae), Labcorp
Classification: Uncertain significance for Peroxisome biogenesis disorder. Last evaluated: 2022-08-16. Review status: criteria provided, single submitter. Criteria: Invitae Variant Classification Sherloc (09022015). Collection method: clinical testing. Allele origin: germline.
Comment: This sequence change replaces valine, which is neutral and non-polar, with methionine, which is neutral and non-polar, at codon 702 of the PEX6 protein (p.Val702Met). This variant is present in population databases (rs377421228, gnomAD 0.04%). This variant has not been reported in the literature in individuals affected with PEX6-related conditions. ClinVar contains an entry for this variant (Variation ID: 497810). Algorithms developed to predict the effect of missense changes on protein structure and function are either unavailable or do not agree on the potential impact of this missense change (SIFT: "Deleterious"; PolyPhen-2: "Probably Damaging"; Align-GVGD: "Class C15"). In summary, the available evidence is currently insufficient to determine the role of this variant in disease. Therefore, it has been classified as a Variant of Uncertain Significance.

Eurofins Ntd Llc (ga)
Classification: Uncertain significance. Last evaluated: 2016-10-05. Review status: criteria provided, single submitter. Criteria: EGL Classification Definitions 2015. Collection method: clinical testing. Allele origin: germline. Observed: 1 variant allele, 1 heterozygote.

PreventionGenetics, part of Exact Sciences
Classification: Uncertain significance for PEX6-related condition. Last evaluated: 2024-04-23. Review status: no assertion criteria provided. Collection method: clinical testing. Allele origin: germline. Not counted in ClinVar's aggregate classification.
Comment: The PEX6 c.2104G>A variant is predicted to result in the amino acid substitution p.Val702Met. This variant has been reported in an affected individual; however the zygosity and condition for this reported variant are unknown (Table 1 in Schieferdecker and Wendler 2019. PubMedID: 31374812). This variant is reported in 0.037% of alleles in individuals of African descent in gnomAD. At this time, the clinical significance of this variant is uncertain due to the absence of conclusive functional and genetic evidence.

Natera, Inc.
Classification: Uncertain significance for Zellweger syndrome. Last evaluated: 2020-12-10. Review status: no assertion criteria provided. Collection method: clinical testing. Allele origin: germline. Not counted in ClinVar's aggregate classification.

NM_000287.4(PEX6):c.2104G>A (p.Val702Met)

Gene: PEX6 (peroxisomal biogenesis factor 6; minus strand). Cytogenetic location: 6p21.1.
Variant type: single nucleotide variant.
Coding change: c.2104G>A on transcript NM_000287.4 (MANE Select); coding-DNA position 2104, G replaced by A.
Protein change: p.Val702Met; replaces valine 702 with methionine.
Molecular consequence: missense variant.
Genome position (GRCh38, 1-based): chr6:42,966,438, C>T on the plus strand (G>A on the coding strand, the complement: PEX6 is on the minus strand). VCF-style: chr6-42966438-C-T. GRCh37 (hg19) VCF-style: chr6-42934176-C-T.
Other names: c.1840G>A, p.Val614Met (NM_001316313.2); short protein forms V702M, V614M.
Identifiers: ClinVar variation 497810 (VCV000497810.10), dbSNP rs377421228, ClinGen allele CA3811116.